The following is an entry in ClinVar:

ClinVar aggregate classification (germline): Uncertain significance (1 of 4 stars; one submission).

Submission:

Labcorp Genetics (formerly Invitae), Labcorp
Classification: Uncertain significance. Last evaluated: 2023-10-23. Review status: criteria provided, single submitter. Criteria: Invitae Variant Classification Sherloc (09022015). Collection method: clinical testing. Allele origin: germline.
Comment: This sequence change replaces glutamic acid, which is acidic and polar, with valine, which is neutral and non-polar, at codon 394 of the COL2A1 protein (p.Glu394Val). This variant is not present in population databases (gnomAD no frequency). This variant has not been reported in the literature in individuals affected with COL2A1-related conditions. Advanced modeling of protein sequence and biophysical properties (such as structural, functional, and spatial information, amino acid conservation, physicochemical variation, residue mobility, and thermodynamic stability) performed at Invitae indicates that this missense variant is expected to disrupt COL2A1 protein function with a positive predictive value of 95%. In summary, the available evidence is currently insufficient to determine the role of this variant in disease. Therefore, it has been classified as a Variant of Uncertain Significance.

NM_001844.5(COL2A1):c.1181A>T (p.Glu394Val)

Gene: COL2A1 (collagen type II alpha 1 chain; minus strand). Cytogenetic location: 12q13.11.
Variant type: single nucleotide variant.
Coding change: c.1181A>T on transcript NM_001844.5 (MANE Select); coding-DNA position 1181, A replaced by T.
Protein change: p.Glu394Val; replaces glutamic acid 394 with valine.
Molecular consequence: missense variant.
Genome position (GRCh38, 1-based): chr12:47,987,651, T>A on the plus strand (A>T on the coding strand, the complement: COL2A1 is on the minus strand). VCF-style: chr12-47987651-T-A. GRCh37 (hg19) VCF-style: chr12-48381434-T-A.
Other names: c.974A>T, p.Glu325Val (NM_033150.3); short protein forms E325V, E394V.
Identifiers: ClinVar variation 2768108 (VCV002768108.3), dbSNP rs1939500640, ClinGen allele CA384554486.